The following is an entry in ClinVar:

NM_001099922.3(ALG13):c.2536G>A (p.Gly846Arg)

Gene: ALG13 (ALG13 UDP-N-acetylglucosaminyltransferase subunit; plus strand). Cytogenetic location: Xq23.
Variant type: single nucleotide variant.
Coding change: c.2536G>A on transcript NM_001099922.3 (MANE Select); coding-DNA position 2536, G replaced by A.
Protein change: p.Gly846Arg; replaces glycine 846 with arginine.
Molecular consequence: missense variant. On other transcripts: non-coding transcript variant (1).
Genome position (GRCh38, 1-based): chrX:111,736,720, G>A. VCF-style: chrX-111736720-G-A. GRCh37 (hg19) VCF-style: chrX-110979948-G-A.
Other names: c.2224G>A, p.Gly742Arg (NM_001257230.2, NM_001257234.2, NM_001257237.2); c.2302G>A, p.Gly768Arg (NM_001257231.2); c.2536G>A, p.Gly846Arg (NM_001324292.2); c.2050G>A, p.Gly684Arg (NM_001324293.1); short protein forms G846R, G742R, G768R, G684R.
Identifiers: ClinVar variation 2978709 (VCV002978709.3), dbSNP rs757610699, ClinGen allele CA10493935.

ClinVar aggregate classification (germline): Uncertain significance (1 of 4 stars; one submission).

Conditions:
Developmental and epileptic encephalopathy, 36 (DEE36). Also called: Epileptic encephalopathy, early infantile, 36; ALG13-CDG; Congenital disorder of glycosylation, type Is. Identifiers: Orphanet 324422, MedGen C4317295, MONDO:0010472, OMIM 300884.

Allele frequency attached by ClinVar (database versions not stated): gnomAD exomes 0.00001; ExAC 0.00002.
gnomAD v4.1: 4 of 1,207,887 alleles (0.00033%); highest among the groups gnomAD compares: Admixed American, 0.0088%; no homozygotes.

Submission:

Labcorp Genetics (formerly Invitae), Labcorp
Classification: Uncertain significance for Developmental and epileptic encephalopathy, 36. Last evaluated: 2025-12-31. Review status: criteria provided, single submitter. Criteria: Invitae Variant Classification Sherloc (09022015). Collection method: clinical testing. Allele origin: germline.
Comment: This sequence change replaces glycine, which is neutral and non-polar, with arginine, which is basic and polar, at codon 846 of the ALG13 protein (p.Gly846Arg). This variant is present in population databases (rs757610699, gnomAD 0.01%). This variant has not been reported in the literature in individuals affected with ALG13-related conditions. ClinVar contains an entry for this variant (Variation ID: 2978709). Invitae Evidence Modeling of protein sequence and biophysical properties (such as structural, functional, and spatial information, amino acid conservation, physicochemical variation, residue mobility, and thermodynamic stability) indicates that this missense variant is not expected to disrupt ALG13 protein function with a negative predictive value of 95%. In summary, the available evidence is currently insufficient to determine the role of this variant in disease. Therefore, it has been classified as a Variant of Uncertain Significance.